The following is an entry in ClinVar:

ClinVar aggregate classification (germline): Uncertain significance (1 of 4 stars; one submission).

Allele frequency attached by ClinVar (database versions not stated): gnomAD exomes 0.00002; TOPMed 0.00002; ExAC 0.00003; gnomAD 0.00003.

Submission:

Labcorp Genetics (formerly Invitae), Labcorp
Classification: Uncertain significance. Last evaluated: 2023-06-27. Review status: criteria provided, single submitter. Criteria: Invitae Variant Classification Sherloc (09022015). Collection method: clinical testing. Allele origin: germline.
Comment: In summary, the available evidence is currently insufficient to determine the role of this variant in disease. Therefore, it has been classified as a Variant of Uncertain Significance. Algorithms developed to predict the effect of missense changes on protein structure and function output the following: SIFT: "Not Available"; PolyPhen-2: "Possibly Damaging"; Align-GVGD: "Not Available". The glutamine amino acid residue is found in multiple mammalian species, which suggests that this missense change does not adversely affect protein function. ClinVar contains an entry for this variant (Variation ID: 1903916). This variant has not been reported in the literature in individuals affected with SLC19A1-related conditions. This variant is present in population databases (rs765709900, gnomAD 0.009%). This sequence change replaces arginine, which is basic and polar, with glutamine, which is neutral and polar, at codon 263 of the SLC19A1 protein (p.Arg263Gln).

NM_194255.4(SLC19A1):c.788G>A (p.Arg263Gln)

Gene: SLC19A1 (solute carrier family 19 member 1; minus strand). Cytogenetic location: 21q22.3.
Variant type: single nucleotide variant.
Coding change: c.788G>A on transcript NM_194255.4 (MANE Select); coding-DNA position 788, G replaced by A.
Protein change: p.Arg263Gln; replaces arginine 263 with glutamine.
Molecular consequence: missense variant.
Genome position (GRCh38, 1-based): chr21:45,531,550, C>T on the plus strand (G>A on the coding strand, the complement: SLC19A1 is on the minus strand). VCF-style: chr21-45531550-C-T. GRCh37 (hg19) VCF-style: chr21-46951464-C-T.
Other names: c.788G>A, p.Arg263Gln (NM_001205206.4, NM_001352511.3, NM_001352512.2); c.668G>A, p.Arg223Gln (NM_001205207.3); c.434G>A, p.Arg145Gln (NM_001352510.2); short protein forms R223Q, R145Q, R263Q.
Identifiers: ClinVar variation 1903916 (VCV001903916.5), dbSNP rs765709900, ClinGen allele CA10068530.
Genomic context (GRCh38, chr21:45,531,550, plus strand): 5'-AGGTAGTAGCCGGCCGAGTTGAAGACCCACCAGAGGGACCACAGGCGCAGCTGCGGCCGC[C>T]GCAGGCTGTCCCCCAGCTCCCGCAGCATCCGCGCCAGCACTGAGTCCCCACAGGCCACCC-3'
Protein context (NP_919231.1, residues 253-273): RMLRELGDSL[Arg263Gln]RPQLRLWSLW